The following is an entry in ClinVar:

ClinVar aggregate classification (germline): Uncertain significance. Review status: criteria provided, multiple submitters, no conflicts (2 of 4 stars). 2 submissions from 2 submitters: Uncertain significance (2). Last evaluated 2024-02-19.

Conditions:
Hypertrophic cardiomyopathy 10. Also called: MYL2-Related Familial Hypertrophic Cardiomyopathy; CARDIOMYOPATHY, HYPERTROPHIC, MID-LEFT VENTRICULAR CHAMBER TYPE, 2. Identifiers: MedGen C1834460, MONDO:0012112, OMIM 608758.

Submissions (2):

Labcorp Genetics (formerly Invitae), Labcorp
Classification: Uncertain significance for Hypertrophic cardiomyopathy 10. Last evaluated: 2024-02-19. Review status: criteria provided, single submitter. Criteria: Invitae Variant Classification Sherloc (09022015). Collection method: clinical testing. Allele origin: germline.
Comment: This sequence change replaces proline, which is neutral and non-polar, with serine, which is neutral and polar, at codon 74 of the MYL2 protein (p.Pro74Ser). This variant is not present in population databases (gnomAD no frequency). This variant has not been reported in the literature in individuals affected with MYL2-related conditions. ClinVar contains an entry for this variant (Variation ID: 1320337). An algorithm developed to predict the effect of missense changes on protein structure and function (PolyPhen-2) suggests that this variant is likely to be tolerated. In summary, the available evidence is currently insufficient to determine the role of this variant in disease. Therefore, it has been classified as a Variant of Uncertain Significance.

GeneDx
Classification: Uncertain significance. Last evaluated: 2018-06-08. Review status: criteria provided, single submitter. Criteria: GeneDx Variant Classification Process June 2021. Collection method: clinical testing. Allele origin: germline. Affected: yes.

NM_000432.4(MYL2):c.220C>T (p.Pro74Ser)

Gene: MYL2 (myosin light chain 2; minus strand). Cytogenetic location: 12q24.11.
Variant type: single nucleotide variant.
Coding change: c.220C>T on transcript NM_000432.4 (MANE Select); coding-DNA position 220, C replaced by T.
Protein change: p.Pro74Ser; replaces proline 74 with serine.
Molecular consequence: missense variant.
Genome position (GRCh38, 1-based): chr12:110,914,240, G>A on the plus strand (C>T on the coding strand, the complement: MYL2 is on the minus strand). VCF-style: chr12-110914240-G-A. GRCh37 (hg19) VCF-style: chr12-111352044-G-A.
Other names: short protein forms P74S.
Identifiers: ClinVar variation 1320337 (VCV001320337.5), dbSNP rs2136772247, ClinGen allele CA386698752.